The following is an entry in ClinVar:

ClinVar aggregate classification (germline): Uncertain significance (1 of 4 stars; one submission).

Conditions:
Joubert syndrome 21 (JBTS21). Identifiers: MedGen C3810212, MONDO:0014288, OMIM 615636.

Submission:

Labcorp Genetics (formerly Invitae), Labcorp
Classification: Uncertain significance for Joubert syndrome 21. Last evaluated: 2022-07-02. Review status: criteria provided, single submitter. Criteria: Invitae Variant Classification Sherloc (09022015). Collection method: clinical testing. Allele origin: germline.
Comment: In summary, the available evidence is currently insufficient to determine the role of this variant in disease. Therefore, it has been classified as a Variant of Uncertain Significance. Experimental studies and prediction algorithms are not available or were not evaluated, and the functional significance of this variant is currently unknown. This variant has not been reported in the literature in individuals affected with CSPP1-related conditions. Information on the frequency of this variant in the gnomAD database is not available, as this variant may be reported differently in the database. This variant, c.993_994delinsAA, is a complex sequence change that results in the deletion of 2 and insertion of 2 amino acid(s) in the CSPP1 protein (p.His331_Asp332delinsGlnAsn).

NM_001382391.1(CSPP1):c.966_967delinsAA (p.His322_Asp323delinsGlnAsn)

Gene: CSPP1 (centrosome and spindle pole associated protein 1; plus strand). Cytogenetic location: 8q13.2.
Variant type: Indel.
Coding change: c.966_967delinsAA on transcript NM_001382391.1 (MANE Select); coding-DNA positions 966 to 967, TG replaced by AA.
Protein change: p.His322_Asp323delinsGlnAsn.
Molecular consequence: missense variant. On other transcripts: intron variant (1).
Genome position (GRCh38, 1-based): chr8:67,103,079-67,103,080, TG replaced by AA. VCF-style: chr8-67103079-TG-AA. GRCh37 (hg19) VCF-style: chr8-68015314-TG-AA.
Other names: c.111_112delinsAA, p.His37_Asp38delinsGlnAsn (NM_001291339.2); c.885_886delinsAA, p.His295_Asp296delinsGlnAsn (NM_001363131.2, NM_001363133.2); c.966_967delinsAA, p.His322_Asp323delinsGlnAsn (NM_001363132.2); c.1074_1075delinsAA, p.His358_Asp359delinsGlnAsn (NM_001364869.1); c.993_994delTGinsAA, p.His331_Asp332delinsGlnAsn (NM_024790.7); c.951-2826_951-2825delinsAA (NM_001364870.1).
Identifiers: ClinVar variation 2040197 (VCV002040197.3), dbSNP rs2488739940, ClinGen allele CA2580078893.